The following is an entry in ClinVar:

NM_182746.3(MCM4):c.401CAG[4] (p.Ala136dup)

Gene: MCM4 (minichromosome maintenance complex component 4; plus strand). Cytogenetic location: 8q11.21.
Variant type: Microsatellite.
Coding change: c.401CAG[4] on transcript NM_182746.3 (MANE Select); four copies in a row of the 3-base unit CAG starting at c.401; the reference has three copies in a row; one copy, 3 bases duplicated.
Protein change: p.Ala136dup; duplicates alanine 136.
Molecular consequence: inframe insertion.
Genome position (GRCh38, 1-based): chr8:47,962,312-47,962,314, CAG duplicated; duplicating any 3 consecutive bases within chr8:47,962,305-47,962,314 gives the same sequence; the position shown is the placement nearest the transcript's 3' end. VCF-style (leftmost placement, unchanged base first): chr8-47962304-G-GGCA. GRCh37 (hg19) VCF-style: chr8-48874864-G-GGCA.
Other names: c.401CAG[4], p.Ala136dup (NM_005914.4).
Identifiers: ClinVar variation 1422197 (VCV001422197.6), dbSNP rs746611048, ClinGen allele CA4742294.
Genomic context (GRCh38, chr8:47,962,304, plus strand): 5'-TTATGGCGGGTATCATGTGGGTAACTCTGTTTTCATGATTCTGTCATGTTTTTCTGTGTA[G>GGCA]GCAGCAGCAGAAGATATAGTGGCAAGTGAGCAGTCTCTAGGCCAAAAACTTGTGATCTGG-3'

ClinVar aggregate classification (germline): Uncertain significance (1 of 4 stars; one submission).

Submission:

Labcorp Genetics (formerly Invitae), Labcorp
Classification: Uncertain significance. Last evaluated: 2023-08-20. Review status: criteria provided, single submitter. Criteria: Invitae Variant Classification Sherloc (09022015). Collection method: clinical testing. Allele origin: germline.
Comment: Experimental studies and prediction algorithms are not available or were not evaluated, and the functional significance of this variant is currently unknown. In summary, the available evidence is currently insufficient to determine the role of this variant in disease. Therefore, it has been classified as a Variant of Uncertain Significance. Algorithms developed to predict the effect of sequence changes on RNA splicing suggest that this variant may disrupt the consensus splice site. This variant has not been reported in the literature in individuals affected with MCM4-related conditions. This variant is present in population databases (rs772735918, gnomAD 0.0009%). This variant, c.407_409dup, results in the insertion of 1 amino acid(s) of the MCM4 protein (p.Ala136dup), but otherwise preserves the integrity of the reading frame.